The following is an entry in ClinVar:

NM_001271938.2(MEGF8):c.485C>T (p.Pro162Leu)

Gene: MEGF8 (multiple EGF like domains 8; plus strand). Cytogenetic location: 19q13.2.
Variant type: single nucleotide variant.
Coding change: c.485C>T on transcript NM_001271938.2 (MANE Select); coding-DNA position 485, C replaced by T.
Protein change: p.Pro162Leu; replaces proline 162 with leucine.
Molecular consequence: missense variant.
Genome position (GRCh38, 1-based): chr19:42,334,140, C>T. VCF-style: chr19-42334140-C-T. GRCh37 (hg19) VCF-style: chr19-42838292-C-T.
Other names: c.485C>T, p.Pro162Leu (NM_001410.3); short protein forms P162L.
Identifiers: ClinVar variation 1311514 (VCV001311514.7), dbSNP rs770734416, ClinGen allele CA9474180.

ClinVar aggregate classification (germline): Uncertain significance. Review status: criteria provided, multiple submitters, no conflicts (2 of 4 stars). 4 submissions from 4 submitters: Uncertain significance (4). Last evaluated 2024-11-06.

Conditions:
MEGF8-related disorder. Also called: MEGF8-related condition.
MEGF8-related Carpenter syndrome. Also called: Carpenter syndrome 2. Identifiers: Orphanet 65759, MedGen C3554247, MONDO:0013998, OMIM 614976.
Inborn genetic diseases. Identifiers: MedGen C0950123, MeSH D030342.

Allele frequency attached by ClinVar (database versions not stated): gnomAD exomes 0.00002 and 0.00006; gnomAD 0.00003 and 0.00004; TOPMed 0.00003; ExAC 0.00004.

Submissions (4):

PreventionGenetics, part of Exact Sciences
Classification: Uncertain significance for MEGF8-related condition. Last evaluated: 2024-11-06. Review status: criteria provided, single submitter. Criteria: ACMG Guidelines, 2015. Collection method: clinical testing. Allele origin: germline.
Comment: The MEGF8 c.485C>T variant is predicted to result in the amino acid substitution p.Pro162Leu. To our knowledge, this variant has not been reported in the literature. This variant is reported in 0.017% of alleles in individuals of Latino descent in gnomAD. At this time, the clinical significance of this variant is uncertain due to the absence of conclusive functional and genetic evidence.

Labcorp Genetics (formerly Invitae), Labcorp
Classification: Uncertain significance for MEGF8-related Carpenter syndrome. Last evaluated: 2024-05-24. Review status: criteria provided, single submitter. Criteria: Invitae Variant Classification Sherloc (09022015). Collection method: clinical testing. Allele origin: germline.
Comment: This sequence change replaces proline, which is neutral and non-polar, with leucine, which is neutral and non-polar, at codon 162 of the MEGF8 protein (p.Pro162Leu). This variant is present in population databases (rs770734416, gnomAD 0.02%). This variant has not been reported in the literature in individuals affected with MEGF8-related conditions. ClinVar contains an entry for this variant (Variation ID: 1311514). An algorithm developed to predict the effect of missense changes on protein structure and function (PolyPhen-2) suggests that this variant is likely to be tolerated. In summary, the available evidence is currently insufficient to determine the role of this variant in disease. Therefore, it has been classified as a Variant of Uncertain Significance.

Ambry Genetics
Classification: Uncertain significance for Inborn genetic diseases. Last evaluated: 2023-08-20. Review status: criteria provided, single submitter. Criteria: Ambry Variant Classification Scheme 2023. Collection method: clinical testing. Allele origin: germline.

GeneDx
Classification: Uncertain significance. Last evaluated: 2020-01-09. Review status: criteria provided, single submitter. Criteria: GeneDx Variant Classification Process June 2021. Collection method: clinical testing. Allele origin: germline. Affected: yes.
Comment: In silico analysis, which includes protein predictors and evolutionary conservation, supports a deleterious effect; Has not been previously published as pathogenic or benign to our knowledge